The following is an entry in ClinVar:

NM_000548.5(TSC2):c.3718C>T (p.Arg1240Cys)

Gene: TSC2 (TSC complex subunit 2; plus strand). Cytogenetic location: 16p13.3.
Variant type: single nucleotide variant.
Coding change: c.3718C>T on transcript NM_000548.5 (MANE Select); coding-DNA position 3718, C replaced by T.
Protein change: p.Arg1240Cys; replaces arginine 1240 with cysteine.
Molecular consequence: missense variant.
Genome position (GRCh38, 1-based): chr16:2,081,702, C>T. VCF-style: chr16-2081702-C-T. GRCh37 (hg19) VCF-style: chr16-2131703-C-T.
Other names: c.3586C>T, p.Arg1196Cys (NM_001077183.3, NM_001370404.1); c.3718C>T, p.Arg1240Cys (NM_001114382.3); c.3478C>T, p.Arg1160Cys (NM_001318827.2); c.3442C>T, p.Arg1148Cys (NM_001318829.2); c.2986C>T, p.Arg996Cys (NM_001318831.2); c.3619C>T, p.Arg1207Cys (NM_001318832.2); c.3589C>T, p.Arg1197Cys (NM_001363528.2, NM_001370405.1, NM_021055.3); short protein forms R1240C, R1197C, R1207C, R996C, R1148C, R1160C, R1196C.
Identifiers: ClinVar variation 50015 (VCV000050015.15), dbSNP rs137854353, ClinGen allele CA019506.

ClinVar aggregate classification (germline): Conflicting classifications of pathogenicity. Review status: criteria provided, conflicting classifications (1 of 4 stars). 3 submissions from 3 submitters: Uncertain significance (1); Likely benign (1). 1 of the submissions does not count toward it. Last evaluated 2026-02-03.

Conditions:
Tuberous sclerosis 2 (TSC2). Identifiers: Orphanet 805, MedGen C1860707, MONDO:0013199, OMIM 613254.
Hereditary cancer-predisposing syndrome. Also called: Neoplastic Syndromes, Hereditary; Tumor predisposition; Hereditary Cancer Syndrome; Hereditary neoplastic syndrome. Identifiers: Orphanet 140162, MedGen C0027672, MeSH D009386, MONDO:0015356.
Tuberous sclerosis syndrome (TSC). Also called: Tuberous Sclerosis Complex; Tuberous sclerosis. Identifiers: Orphanet 805, MedGen C0041341, MONDO:0001734.

Allele frequency attached by ClinVar (database versions not stated): ExAC 0.00001; gnomAD exomes 0.00001; TOPMed 0.00001.
gnomAD v4.1: 7 of 1,612,948 alleles (0.00043%); highest among the groups gnomAD compares: Middle Eastern, 0.016%; no homozygotes.

Submissions (3):

Labcorp Genetics (formerly Invitae), Labcorp
Classification: Likely benign for Tuberous sclerosis 2. Last evaluated: 2026-02-03. Review status: criteria provided, single submitter. Criteria: Invitae Variant Classification Sherloc (09022015). Collection method: clinical testing. Allele origin: germline.

Ambry Genetics
Classification: Uncertain significance for Hereditary cancer-predisposing syndrome. Last evaluated: 2025-11-12. Review status: criteria provided, single submitter. Criteria: Ambry Variant Classification Scheme 2023. Collection method: clinical testing. Allele origin: germline.
Comment: The p.R1240C variant (also known as c.3718C>T), located in coding exon 30 of the TSC2 gene, results from a C to T substitution at nucleotide position 3718. The arginine at codon 1240 is replaced by cysteine, an amino acid with highly dissimilar properties. This amino acid position is well conserved in available vertebrate species. In addition, this alteration is predicted to be deleterious by in silico analysis. Since supporting evidence is limited at this time, the clinical significance of this alteration remains unclear.

Tuberous sclerosis database (TSC2)
No classification provided. Condition: TSC. Review status: no classification provided. Criteria: Tuberous Sclerosis Database Assertion Criteria 2015. Collection method: curation. Allele origin: germline. Affected: yes. Not counted in ClinVar's aggregate classification.